The following is an entry in ClinVar:

ClinVar aggregate classification (germline): Uncertain significance. Review status: criteria provided, multiple submitters, no conflicts (2 of 4 stars). 2 submissions from 2 submitters: Uncertain significance (2). Last evaluated 2025-07-19.

Conditions:
Hereditary cancer-predisposing syndrome. Also called: Neoplastic Syndromes, Hereditary; Tumor predisposition; Hereditary Cancer Syndrome; Hereditary neoplastic syndrome. Identifiers: Orphanet 140162, MedGen C0027672, MeSH D009386, MONDO:0015356.

gnomAD v4.1: 3 of 1,614,174 alleles (0.00019%); highest among the groups gnomAD compares: Non-Finnish European, 0.00025%; no homozygotes.

Submissions (2):

Labcorp Genetics (formerly Invitae), Labcorp
Classification: Uncertain significance for Hereditary cancer-predisposing syndrome. Last evaluated: 2025-07-19. Review status: criteria provided, single submitter. Criteria: Invitae Variant Classification Sherloc (09022015). Collection method: clinical testing. Allele origin: germline.
Comment: This sequence change replaces glutamic acid, which is acidic and polar, with aspartic acid, which is acidic and polar, at codon 1271 of the RAD50 protein (p.Glu1271Asp). This variant is not present in population databases (gnomAD no frequency). This variant has not been reported in the literature in individuals affected with RAD50-related conditions. ClinVar contains an entry for this variant (Variation ID: 1735178). Invitae Evidence Modeling of protein sequence and biophysical properties (such as structural, functional, and spatial information, amino acid conservation, physicochemical variation, residue mobility, and thermodynamic stability) has been performed for this missense variant. However, the output from this modeling did not meet the statistical confidence thresholds required to predict the impact of this variant on RAD50 protein function. In summary, the available evidence is currently insufficient to determine the role of this variant in disease. Therefore, it has been classified as a Variant of Uncertain Significance.

Ambry Genetics
Classification: Uncertain significance for Hereditary cancer-predisposing syndrome. Last evaluated: 2022-09-30. Review status: criteria provided, single submitter. Criteria: Ambry Variant Classification Scheme 2023. Collection method: clinical testing. Allele origin: germline.
Comment: The p.E1271D variant (also known as c.3813A>T), located in coding exon 25 of the RAD50 gene, results from an A to T substitution at nucleotide position 3813. The glutamic acid at codon 1271 is replaced by aspartic acid, an amino acid with highly similar properties. This amino acid position is conserved. In addition, the in silico prediction for this alteration is inconclusive. Since supporting evidence is limited at this time, the clinical significance of this alteration remains unclear.

NM_005732.4(RAD50):c.3813A>T (p.Glu1271Asp)

Genes: RAD50 (RAD50 double strand break repair protein; plus strand), TH2LCRR (T helper type 2 locus control region associated RNA; minus strand). Cytogenetic location: 5q31.1.
Variant type: single nucleotide variant.
Coding change: c.3813A>T on transcript NM_005732.4 (MANE Select); coding-DNA position 3813, A replaced by T.
Protein change: p.Glu1271Asp; replaces glutamic acid 1271 with aspartic acid.
Molecular consequence: missense variant. On other transcripts: non-coding transcript variant (1).
Genome position (GRCh38, 1-based): chr5:132,642,238, A>T. VCF-style: chr5-132642238-A-T. GRCh37 (hg19) VCF-style: chr5-131977930-A-T.
Other names: short protein forms E1271D.
Identifiers: ClinVar variation 1735178 (VCV001735178.3), dbSNP rs1302002047, ClinGen allele CA360936570.